The following is an entry in ClinVar:

NM_007294.4(BRCA1):c.5059GTT[3] (p.Val1688_Met1689insVal)

Gene: BRCA1 (BRCA1 DNA repair associated; minus strand). Cytogenetic location: 17q21.31.
Variant type: Microsatellite.
Coding change: c.5059GTT[3] on transcript NM_007294.4 (MANE Select); three copies in a row of the 3-base unit GTT starting at c.5059; the reference has two copies in a row; one copy, 3 bases duplicated.
Protein change: p.Val1688_Met1689insVal.
Molecular consequence: inframe insertion. On other transcripts: inframe indel (364), non-coding transcript variant (1).
Genome position (GRCh38, 1-based): chr17:43,067,618-43,067,620, AAC duplicated on the plus strand (GTT on the coding strand, the reverse complement: BRCA1 is on the minus strand); duplicating any 3 consecutive bases within chr17:43,067,618-43,067,624 gives the same sequence; the position shown is the placement nearest the transcript's 3' end. VCF-style (leftmost placement, unchanged base first): chr17-43067617-T-TAAC. GRCh37 (hg19) VCF-style: chr17-41219634-T-TAAC.
Other names: c.5052_5054TGT[3], p.Val1686_Met1687insVal (NM_001407627.1, NM_001407628.1, NM_001407629.1 and 14 more transcripts); c.5049_5051TGT[3], p.Val1685_Met1686insVal (NM_001407644.1, NM_001407645.1); c.4977_4979TGT[3], p.Val1661_Met1662insVal (NM_001407658.1, NM_001407656.1, NM_001407657.1); c.4974_4976TGT[3], p.Val1660_Met1661insVal (NM_001407659.1, NM_001407660.1, NM_001407661.1 and 2 more transcripts); c.4935_4937TGT[3], p.Val1647_Met1648insVal (NM_001407664.1, NM_001407665.1, NM_001407666.1 and 6 more transcripts); c.4932_4934TGT[3], p.Val1646_Met1647insVal (NM_001407670.1, NM_001407671.1, NM_001407672.1 and 11 more transcripts); c.5058_5060TGT[3], p.Val1688_Met1689insVal (NM_001407652.1, NM_001407593.1, NM_001407594.1 and 8 more transcripts); c.4980_4982TGT[3], p.Val1662_Met1663insVal (NM_001407653.1, NM_001407654.1, NM_001407655.1); and 73 more.
Identifiers: ClinVar variation 1383990 (VCV001383990.7), dbSNP rs80358344, ClinGen allele CA2580612634.
Genomic context (GRCh38, chr17:43,067,617, plus strand): 5'-TGTGGTTTTATGCAGCAGATGCAAGGTATTCTGTAAAGGTTCTTGGTATACCTGTTTTCA[T>TAAC]AACAACATGAGTAGTCTCTTCAGTAATTAGATTAGTTAAAGTGATGTGGTGTTTTCTGGC-3'

ClinVar aggregate classification (germline): Uncertain significance (1 of 4 stars; one submission).

Conditions:
Hereditary breast ovarian cancer syndrome. Also called: Hereditary breast and ovarian cancer syndrome (HBOC); Breast and ovarian cancer; BRCA1- and BRCA2-Associated Hereditary Breast and Ovarian Cancer; Hereditary breast and ovarian cancer; Hereditary breast and ovarian cancer syndrome; Hereditary breast and/or ovarian cancer syndrome. Identifiers: Orphanet 145, MedGen C0677776, MeSH D061325, MONDO:0003582. Disease mechanism: loss of function.

Submission:

Labcorp Genetics (formerly Invitae), Labcorp
Classification: Uncertain significance for Hereditary breast ovarian cancer syndrome. Last evaluated: 2022-10-13. Review status: criteria provided, single submitter. Criteria: Invitae Variant Classification Sherloc (09022015). Collection method: clinical testing. Allele origin: germline.
Comment: This variant, c.5062_5064dup, results in the insertion of 1 amino acid(s) of the BRCA1 protein (p.Val1688dup), but otherwise preserves the integrity of the reading frame. This variant is not present in population databases (gnomAD no frequency). This variant has not been reported in the literature in individuals affected with BRCA1-related conditions. Experimental studies and prediction algorithms are not available or were not evaluated, and the functional significance of this variant is currently unknown. In summary, the available evidence is currently insufficient to determine the role of this variant in disease. Therefore, it has been classified as a Variant of Uncertain Significance.